The following is an entry in ClinVar:

ClinVar aggregate classification (germline): Uncertain significance (1 of 4 stars; one submission).

Conditions:
Charcot-Marie-Tooth disease type 2. Also called: Charcot-Marie-Tooth type 2. Identifiers: Orphanet 64746, MedGen C0270914, MONDO:0018993.

gnomAD v4.1: 2 of 1,578,838 alleles (0.00013%); highest among the groups gnomAD compares: African/African-American, 0.0013%; no homozygotes.

Submission:

Labcorp Genetics (formerly Invitae), Labcorp
Classification: Uncertain significance for Charcot-Marie-Tooth disease type 2. Last evaluated: 2024-04-05. Review status: criteria provided, single submitter. Criteria: Invitae Variant Classification Sherloc (09022015). Collection method: clinical testing. Allele origin: germline.
Comment: This sequence change replaces arginine, which is basic and polar, with leucine, which is neutral and non-polar, at codon 34 of the GARS protein (p.Arg34Leu). This variant is not present in population databases (gnomAD no frequency). This variant has not been reported in the literature in individuals affected with GARS-related conditions. ClinVar contains an entry for this variant (Variation ID: 2422410). Advanced modeling of protein sequence and biophysical properties (such as structural, functional, and spatial information, amino acid conservation, physicochemical variation, residue mobility, and thermodynamic stability) performed at Invitae indicates that this missense variant is not expected to disrupt GARS protein function with a negative predictive value of 95%. In summary, the available evidence is currently insufficient to determine the role of this variant in disease. Therefore, it has been classified as a Variant of Uncertain Significance.

NM_002047.4(GARS1):c.101G>T (p.Arg34Leu)

Gene: GARS1 (glycyl-tRNA synthetase 1; plus strand). Cytogenetic location: 7p14.3.
Variant type: single nucleotide variant.
Coding change: c.101G>T on transcript NM_002047.4 (MANE Select); coding-DNA position 101, G replaced by T.
Protein change: p.Arg34Leu; replaces arginine 34 with leucine.
Molecular consequence: missense variant. On other transcripts: 5 prime UTR variant (1).
Genome position (GRCh38, 1-based): chr7:30,595,022, G>T. VCF-style: chr7-30595022-G-T. GRCh37 (hg19) VCF-style: chr7-30634638-G-T.
Other names: c.-62G>T (NM_001316772.1); short protein forms R34L.
Identifiers: ClinVar variation 2422410 (VCV002422410.6), dbSNP rs1189675611, ClinGen allele CA367138542.